The following is an entry in ClinVar:

ClinVar aggregate classification (germline): Benign/Likely benign. Review status: criteria provided, multiple submitters, no conflicts (2 of 4 stars). 8 submissions from 8 submitters: Benign (3); Likely benign (2). 3 of the submissions do not count toward it. Last evaluated 2025-08-01.

Conditions:
WARS1-related disorder. Also called: WARS1-related condition.

Allele frequency attached by ClinVar (database versions not stated): TOPMed 0.00096; 1000 Genomes Project 30x 0.00109; ESP Exome Variant Server 0.00131; 1000 Genomes Project 0.00140; gnomAD exomes 0.00249 and 0.00320; gnomAD 0.00267 and 0.00271; ExAC 0.00271.
gnomAD v4.1: 3,755 of 1,512,480 alleles (0.25%); highest among the groups gnomAD compares: South Asian, 0.29%; 12 homozygotes.

Submissions (8):

CeGaT Center for Human Genetics Tuebingen
Classification: Likely benign. Last evaluated: 2025-08-01. Review status: criteria provided, single submitter. Criteria: CeGaT Center For Human Genetics Tuebingen Variant Classification Criteria Version 2. Collection method: clinical testing. Allele origin: germline. Affected: yes. Observed: 2 variant alleles.
Comment: WARS1: BP4

Mayo Clinic Laboratories, Mayo Clinic
Classification: Benign. Last evaluated: 2025-04-14. Review status: criteria provided, single submitter. Criteria: ACMG Guidelines, 2015. Collection method: clinical testing. Allele origin: germline. Observed: 3 variant alleles.
Comment: BS1, BS2, BP4

Blueprint Genetics
Classification: Likely benign. Last evaluated: 2024-11-15. Review status: criteria provided, single submitter. Criteria: ACMG Guidelines, 2015. Collection method: clinical testing. Allele origin: germline.

Labcorp Genetics (formerly Invitae), Labcorp
Classification: Benign. Last evaluated: 2017-07-10. Review status: criteria provided, single submitter. Criteria: Invitae Variant Classification Sherloc (09022015). Collection method: clinical testing. Allele origin: germline.

Breakthrough Genomics
Classification: Benign. Review status: criteria provided, single submitter. Criteria: ACMG Guidelines, 2015. Collection method: not provided. Allele origin: germline. Inheritance: Autosomal dominant inheritance. Affected: yes.

PreventionGenetics, part of Exact Sciences
Classification: Likely benign for WARS1-related condition. Last evaluated: 2019-05-09. Review status: no assertion criteria provided. Collection method: clinical testing. Allele origin: germline. Not counted in ClinVar's aggregate classification.
Comment: This variant is classified as likely benign based on ACMG/AMP sequence variant interpretation guidelines (Richards et al. 2015 PMID: 25741868, with internal and published modifications).

Clinical Genetics, Academic Medical Center
Classification: Benign. Review status: no assertion criteria provided. Collection method: clinical testing. Allele origin: germline. Affected: yes. Study: VKGL Data-share Consensus. Not counted in ClinVar's aggregate classification.

Genome Diagnostics Laboratory, University Medical Center Utrecht
Classification: Likely benign. Review status: no assertion criteria provided. Collection method: clinical testing. Allele origin: germline. Affected: yes. Study: VKGL Data-share Consensus. Not counted in ClinVar's aggregate classification.

NM_004184.4(WARS1):c.25C>G (p.Leu9Val)

Gene: WARS1 (tryptophanyl-tRNA synthetase 1; minus strand). Cytogenetic location: 14q32.2.
Variant type: single nucleotide variant.
Coding change: c.25C>G on transcript NM_004184.4 (MANE Select); coding-DNA position 25, C replaced by G.
Protein change: p.Leu9Val; replaces leucine 9 with valine.
Molecular consequence: missense variant. On other transcripts: intron variant (2).
Genome position (GRCh38, 1-based): chr14:100,369,161, G>C on the plus strand (C>G on the coding strand, the complement: WARS1 is on the minus strand). VCF-style: chr14-100369161-G-C. GRCh37 (hg19) VCF-style: chr14-100835498-G-C.
Other names: p.Leu9Val; c.25C>G, p.Leu9Val (NM_173701.2); c.-25+7099C>G (NM_213645.2); c.-25+6122C>G (NM_213646.2); short protein forms L9V.
Identifiers: ClinVar variation 783049 (VCV000783049.17), dbSNP rs143974221, ClinGen allele CA7345431.